The following is an entry in ClinVar:

NM_000257.4(MYH7):c.4216G>T (p.Ala1406Ser)

Gene: MYH7 (myosin heavy chain 7; minus strand). Cytogenetic location: 14q11.2.
Variant type: single nucleotide variant.
Coding change: c.4216G>T on transcript NM_000257.4 (MANE Select); coding-DNA position 4216, G replaced by T.
Protein change: p.Ala1406Ser; replaces alanine 1406 with serine.
Molecular consequence: missense variant.
Genome position (GRCh38, 1-based): chr14:23,417,640, C>A on the plus strand (G>T on the coding strand, the complement: MYH7 is on the minus strand). VCF-style: chr14-23417640-C-A. GRCh37 (hg19) VCF-style: chr14-23886849-C-A.
Other names: c.4216G>T, p.Ala1406Ser (NM_001407004.1); short protein forms A1406S.
Identifiers: ClinVar variation 2006385 (VCV002006385.4), dbSNP rs781659682, ClinGen allele CA389040470.

ClinVar aggregate classification (germline): Uncertain significance (1 of 4 stars; one submission).

Conditions:
Hypertrophic cardiomyopathy. Also called: HYPERTROPHIC MYOCARDIOPATHY. Identifiers: Orphanet 217569, MedGen C0007194, MeSH D002312, MONDO:0005045, HP:0001639.

Submission:

Labcorp Genetics (formerly Invitae), Labcorp
Classification: Uncertain significance for Hypertrophic cardiomyopathy. Last evaluated: 2023-10-13. Review status: criteria provided, single submitter. Criteria: Invitae Variant Classification Sherloc (09022015). Collection method: clinical testing. Allele origin: germline.
Comment: This sequence change replaces alanine, which is neutral and non-polar, with serine, which is neutral and polar, at codon 1406 of the MYH7 protein (p.Ala1406Ser). This variant is not present in population databases (gnomAD no frequency). This variant has not been reported in the literature in individuals affected with MYH7-related conditions. ClinVar contains an entry for this variant (Variation ID: 2006385). Advanced modeling of protein sequence and biophysical properties (such as structural, functional, and spatial information, amino acid conservation, physicochemical variation, residue mobility, and thermodynamic stability) performed at Invitae indicates that this missense variant is expected to disrupt MYH7 protein function. In summary, the available evidence is currently insufficient to determine the role of this variant in disease. Therefore, it has been classified as a Variant of Uncertain Significance.